The following is an entry in ClinVar:

NM_004523.4(KIF11):c.1098del (p.Gln367fs)

Gene: KIF11 (kinesin family member 11; plus strand). Cytogenetic location: 10q23.33.
Variant type: Deletion.
Coding change: c.1098del on transcript NM_004523.4 (MANE Select); coding-DNA position 1098, one base deleted (T; older notation c.1098delT).
Protein change: p.Gln367fs; shifts the reading frame from glutamine 367.
Molecular consequence: frameshift variant.
Genome position (GRCh38, 1-based): chr10:92,616,802, T deleted. VCF-style (leftmost placement, unchanged base first): chr10-92616801-AT-A. GRCh37 (hg19) VCF-style: chr10-94376558-AT-A.
Other names: short protein forms Q367fs.
Identifiers: ClinVar variation 2844196 (VCV002844196.3), dbSNP rs2492495295, ClinGen allele CA2739275936.

ClinVar aggregate classification (germline): Pathogenic (1 of 4 stars; one submission).

Submission:

Labcorp Genetics (formerly Invitae), Labcorp
Classification: Pathogenic. Last evaluated: 2023-03-08. Review status: criteria provided, single submitter. Criteria: Invitae Variant Classification Sherloc (09022015). Collection method: clinical testing. Allele origin: germline.
Comment: This variant has not been reported in the literature in individuals affected with KIF11-related conditions. This variant is not present in population databases (gnomAD no frequency). This sequence change creates a premature translational stop signal (p.Gln367Argfs*16) in the KIF11 gene. It is expected to result in an absent or disrupted protein product. Loss-of-function variants in KIF11 are known to be pathogenic (PMID: 22284827, 24281367). For these reasons, this variant has been classified as Pathogenic.

Literature cited by the submitters: PubMed 22284827; PubMed 24281367.